The following is an entry in ClinVar:

ClinVar aggregate classification (germline): Likely benign. Review status: criteria provided, multiple submitters, no conflicts (2 of 4 stars). 3 submissions from 3 submitters: Likely benign (2). 1 of the submissions does not count toward it. Last evaluated 2024-11-18.

Conditions:
ARHGEF18-related disorder. Also called: ARHGEF18-related condition.

Allele frequency attached by ClinVar (database versions not stated): ESP Exome Variant Server 0.00008.
gnomAD v4.1: 197 of 1,575,700 alleles (0.013%); highest among the groups gnomAD compares: Non-Finnish European, 0.017%; no homozygotes.

Submissions (3):

Labcorp Genetics (formerly Invitae), Labcorp
Classification: Likely benign. Last evaluated: 2024-11-18. Review status: criteria provided, single submitter. Criteria: Invitae Variant Classification Sherloc (09022015). Collection method: clinical testing. Allele origin: germline.

Blueprint Genetics
Classification: Likely benign. Last evaluated: 2024-11-07. Review status: criteria provided, single submitter. Criteria: ACMG Guidelines, 2015. Collection method: clinical testing. Allele origin: germline.

PreventionGenetics, part of Exact Sciences
Classification: Likely benign for ARHGEF18-related condition. Last evaluated: 2019-09-11. Review status: no assertion criteria provided. Collection method: clinical testing. Allele origin: germline. Not counted in ClinVar's aggregate classification.
Comment: This variant is classified as likely benign based on ACMG/AMP sequence variant interpretation guidelines (Richards et al. 2015 PMID: 25741868, with internal and published modifications).

NM_001367823.1(ARHGEF18):c.3585C>T (p.Pro1195=)

Gene: ARHGEF18 (Rho/Rac guanine nucleotide exchange factor 18; plus strand). Cytogenetic location: 19p13.2.
Variant type: single nucleotide variant.
Coding change: c.3585C>T on transcript NM_001367823.1 (MANE Select); coding-DNA position 3585, C replaced by T.
Protein change: p.Pro1195=; no amino-acid change (proline 1195 retained).
Molecular consequence: synonymous variant.
Genome position (GRCh38, 1-based): chr19:7,468,929, C>T. VCF-style: chr19-7468929-C-T. GRCh37 (hg19) VCF-style: chr19-7533815-C-T.
Other names: c.2859C>T, p.Pro953= (NM_001130955.2); c.2547C>T, p.Pro849= (NM_001367824.1, NM_015318.4); c.3021C>T (NM_001130955.1).
Identifiers: ClinVar variation 1153384 (VCV001153384.12), dbSNP rs368207061, ClinGen allele CA9137179.